The following is an entry in ClinVar:

NM_139276.3(STAT3):c.605A>G (p.Gln202Arg)

Gene: STAT3 (signal transducer and activator of transcription 3; minus strand). Cytogenetic location: 17q21.2.
Variant type: single nucleotide variant.
Coding change: c.605A>G on transcript NM_139276.3 (MANE Select); coding-DNA position 605, A replaced by G.
Protein change: p.Gln202Arg; replaces glutamine 202 with arginine.
Molecular consequence: missense variant.
Genome position (GRCh38, 1-based): chr17:42,337,803, T>C on the plus strand (A>G on the coding strand, the complement: STAT3 is on the minus strand). VCF-style: chr17-42337803-T-C. GRCh37 (hg19) VCF-style: chr17-40489821-T-C.
Other names: c.605A>G, p.Gln202Arg (NM_001369512.1, NM_001369513.1, NM_001369514.1 and 15 more transcripts); c.527A>G, p.Gln176Arg (NM_001384985.1); c.509A>G, p.Gln170Arg (NM_001384989.1); short protein forms Q170R, Q176R, Q202R.
Identifiers: ClinVar variation 1309253 (VCV001309253.2), dbSNP rs2144878191, ClinGen allele CA399594285.

ClinVar aggregate classification (germline): Uncertain significance (1 of 4 stars; one submission).

Submission:

GeneDx
Classification: Uncertain significance. Last evaluated: 2019-10-22. Review status: criteria provided, single submitter. Criteria: GeneDx Variant Classification Process June 2021. Collection method: clinical testing. Allele origin: germline. Affected: yes.
Comment: Not observed in large population cohorts (Lek et al., 2016); In silico analysis, which includes protein predictors and evolutionary conservation, supports that this variant does not alter protein structure/function; Has not been previously published as pathogenic or benign to our knowledge